The following is an entry in ClinVar:

ClinVar aggregate classification (germline): Uncertain significance (1 of 4 stars; one submission).

Conditions:
LAMA2-related muscular dystrophy (LAMA2-RD). Also called: Laminin alpha 2-related dystrophy. Identifiers: MedGen C5679788, MONDO:0100228.

Submission:

Labcorp Genetics (formerly Invitae), Labcorp
Classification: Uncertain significance for LAMA2-related muscular dystrophy. Last evaluated: 2021-08-27. Review status: criteria provided, single submitter. Criteria: Invitae Variant Classification Sherloc (09022015). Collection method: clinical testing. Allele origin: germline.
Comment: This sequence change replaces alanine with threonine at codon 3121 of the LAMA2 protein (p.Ala3121Thr). The alanine residue is weakly conserved and there is a small physicochemical difference between alanine and threonine. This variant is not present in population databases (ExAC no frequency). This variant has not been reported in the literature in individuals affected with LAMA2-related conditions. Algorithms developed to predict the effect of missense changes on protein structure and function output the following: SIFT: "Tolerated"; PolyPhen-2: "Possibly Damaging"; Align-GVGD: "Class C0". The threonine amino acid residue is found in multiple mammalian species, which suggests that this missense change does not adversely affect protein function. In summary, the available evidence is currently insufficient to determine the role of this variant in disease. Therefore, it has been classified as a Variant of Uncertain Significance.

NM_000426.4(LAMA2):c.9361G>A (p.Ala3121Thr)

Gene: LAMA2 (laminin subunit alpha 2; plus strand). Cytogenetic location: 6q22.33.
Variant type: single nucleotide variant.
Coding change: c.9361G>A on transcript NM_000426.4 (MANE Select); coding-DNA position 9361, G replaced by A.
Protein change: p.Ala3121Thr; replaces alanine 3121 with threonine.
Molecular consequence: missense variant.
Genome position (GRCh38, 1-based): chr6:129,516,339, G>A. VCF-style: chr6-129516339-G-A. GRCh37 (hg19) VCF-style: chr6-129837484-G-A.
Other names: c.9349G>A, p.Ala3117Thr (NM_001079823.2); short protein forms A3121T, A3117T.
Identifiers: ClinVar variation 863713 (VCV000863713.7), dbSNP rs1787077195, ClinGen allele CA365637562.